The following is an entry in ClinVar:

NM_006904.7(PRKDC):c.6080C>G (p.Ser2027Cys)

Gene: PRKDC (protein kinase, DNA-activated, catalytic subunit; minus strand). Cytogenetic location: 8q11.21.
Variant type: single nucleotide variant.
Coding change: c.6080C>G on transcript NM_006904.7 (MANE Select); coding-DNA position 6080, C replaced by G.
Protein change: p.Ser2027Cys; replaces serine 2027 with cysteine.
Molecular consequence: missense variant.
Genome position (GRCh38, 1-based): chr8:47,859,738, G>C on the plus strand (C>G on the coding strand, the complement: PRKDC is on the minus strand). VCF-style: chr8-47859738-G-C. GRCh37 (hg19) VCF-style: chr8-48772299-G-C.
Other names: c.6080C>G, p.Ser2027Cys (NM_001081640.2); short protein forms S2027C.
Identifiers: ClinVar variation 3225882 (VCV003225882.1), dbSNP rs2551870257, ClinGen allele CA371161392.

ClinVar aggregate classification (germline): Uncertain significance (1 of 4 stars; one submission).

Submission:

Ambry Genetics
Classification: Uncertain significance. Last evaluated: 2023-10-01. Review status: criteria provided, single submitter. Criteria: Ambry Variant Classification Scheme 2023. Collection method: clinical testing. Allele origin: germline.
Comment: The p.S2027C variant (also known as c.6080C>G), located in coding exon 46 of the PRKDC gene, results from a C to G substitution at nucleotide position 6080. The serine at codon 2027 is replaced by cysteine, an amino acid with dissimilar properties. This amino acid position is conserved. Since supporting evidence is limited at this time, the clinical significance of this alteration remains unclear.